The following is an entry in ClinVar:

ClinVar aggregate classification (germline): Uncertain significance (1 of 4 stars; one submission).

Allele frequency attached by ClinVar (database versions not stated): gnomAD exomes below 0.00001.
gnomAD v4.1: 6 of 1,613,254 alleles (0.00037%); highest among the groups gnomAD compares: Non-Finnish European, 0.00042%; no homozygotes.

Submission:

Labcorp Genetics (formerly Invitae), Labcorp
Classification: Uncertain significance. Last evaluated: 2022-05-25. Review status: criteria provided, single submitter. Criteria: Invitae Variant Classification Sherloc (09022015). Collection method: clinical testing. Allele origin: germline.
Comment: Algorithms developed to predict the effect of missense changes on protein structure and function are either unavailable or do not agree on the potential impact of this missense change (SIFT: "Not Available"; PolyPhen-2: "Probably Damaging"; Align-GVGD: "Not Available"). In summary, the available evidence is currently insufficient to determine the role of this variant in disease. Therefore, it has been classified as a Variant of Uncertain Significance. This variant has not been reported in the literature in individuals affected with VPS33B-related conditions. This variant is not present in population databases (gnomAD no frequency). This sequence change replaces leucine, which is neutral and non-polar, with proline, which is neutral and non-polar, at codon 520 of the VPS33B protein (p.Leu520Pro).

NM_018668.5(VPS33B):c.1559T>C (p.Leu520Pro)

Gene: VPS33B (VPS33B late endosome and lysosome associated; minus strand). Cytogenetic location: 15q26.1.
Variant type: single nucleotide variant.
Coding change: c.1559T>C on transcript NM_018668.5 (MANE Select); coding-DNA position 1559, T replaced by C.
Protein change: p.Leu520Pro; replaces leucine 520 with proline.
Molecular consequence: missense variant.
Genome position (GRCh38, 1-based): chr15:91,000,512, A>G on the plus strand (T>C on the coding strand, the complement: VPS33B is on the minus strand). VCF-style: chr15-91000512-A-G. GRCh37 (hg19) VCF-style: chr15-91543742-A-G.
Other names: c.1478T>C, p.Leu493Pro (NM_001289148.1); c.1286T>C, p.Leu429Pro (NM_001289149.1); short protein forms L520P, L429P, L493P.
Identifiers: ClinVar variation 2087808 (VCV002087808.3), dbSNP rs1825301822, ClinGen allele CA393885163.